The following is an entry in ClinVar:

ClinVar aggregate classification (germline): Uncertain significance (1 of 4 stars; one submission).

Conditions:
Hereditary spastic paraplegia 48. Also called: Spastic paraplegia 48; SPASTIC PARAPLEGIA 48, AUTOSOMAL RECESSIVE. Identifiers: Orphanet 306511, MedGen C3150901, MONDO:0013342, OMIM 613647.

Submission:

Labcorp Genetics (formerly Invitae), Labcorp
Classification: Uncertain significance for Hereditary spastic paraplegia 48. Last evaluated: 2016-10-08. Review status: criteria provided, single submitter. Criteria: Invitae Variant Classification Sherloc (09022015). Collection method: clinical testing. Allele origin: germline.
Comment: This variant is a gross deletion of the genomic region encompassing exons 12-17 of the AP5Z1 gene. The 5' boundary is likely confined to intron 11. The 3' end of this event is unknown as it extends through the termination codon beyond the assayed region for this gene and may encompass additional genes. While this deletion is not anticipated to result in nonsense mediated decay, it is expected to create a truncated AP5Z1 protein. This particular variant has not been reported in the literature. Truncating AP5Z1 variants have been previously reported in affected individuals (PMID: 20613862), however the current clinical and genetic evidence is insufficient to conclusively establish the pathogenicity of loss-of-function variants in this gene. In summary, this is a novel deletion with uncertain impact on protein function. It has been classified as a Variant of Uncertain Significance.

NC_000007.14:g.(?_4788154)_(4794395_?)del

Genes: MIR4656 (microRNA 4656; minus strand), AP5Z1 (adaptor related protein complex 5 subunit zeta 1; plus strand), LOC129997864 (ATAC-STARR-seq lymphoblastoid silent region 17903; plus strand), LOC129997865 (ATAC-STARR-seq lymphoblastoid active region 25568; plus strand). Cytogenetic location: 7p22.1.
Variant type: Deletion.
Identifiers: ClinVar variation 417576 (VCV000417576.1).